The following is an entry in ClinVar:

ClinVar aggregate classification (germline): Likely benign (1 of 4 stars; one submission).

Allele frequency attached by ClinVar (database versions not stated): ExAC 0.00001; gnomAD 0.01098.

Submission:

CeGaT Center for Human Genetics Tuebingen
Classification: Likely benign. Last evaluated: 2024-07-01. Review status: criteria provided, single submitter. Criteria: CeGaT Center For Human Genetics Tuebingen Variant Classification Criteria Version 2. Collection method: clinical testing. Allele origin: germline. Affected: yes. Observed: 4 variant alleles.
Comment: HLA-DRB1: BS1

NM_002124.4(HLA-DRB1):c.199del (p.Val67fs)

Gene: HLA-DRB1 (major histocompatibility complex, class II, DR beta 1; minus strand). Cytogenetic location: 6p21.32.
Variant type: Deletion.
Coding change: c.199del on transcript NM_002124.4 (MANE Select); coding-DNA position 199, one base deleted (G; older notation c.199delG).
Protein change: p.Val67fs; shifts the reading frame from valine 67.
Molecular consequence: frameshift variant.
Genome position (GRCh38, 1-based): chr6:32,584,280, C deleted on the plus strand (G on the coding strand, the reverse complement: HLA-DRB1 is on the minus strand). VCF-style (leftmost placement, unchanged base first): chr6-32584279-AC-A. GRCh37 (hg19) VCF-style: chr6-32552056-AC-A.
Other names: short protein forms V67fs.
Identifiers: ClinVar variation 2499004 (VCV002499004.28), dbSNP rs200676666, ClinGen allele CA3743323.